The following is an entry in ClinVar:

NM_001172509.2(SATB2):c.1504del (p.Gln502fs)

Gene: SATB2 (SATB homeobox 2; minus strand). Cytogenetic location: 2q33.1.
Variant type: Deletion.
Coding change: c.1504del on transcript NM_001172509.2 (MANE Select); coding-DNA position 1504, one base deleted (C; older notation c.1504delC).
Protein change: p.Gln502fs; shifts the reading frame from glutamine 502.
Molecular consequence: frameshift variant.
Genome position (GRCh38, 1-based): chr2:199,323,841, G deleted on the plus strand (C on the coding strand, the reverse complement: SATB2 is on the minus strand). VCF-style (leftmost placement, unchanged base first): chr2-199323840-TG-T. GRCh37 (hg19) VCF-style: chr2-200188563-TG-T.
Other names: c.1504del, p.Gln502fs (NM_001172517.1, NM_015265.4); short protein forms Q502fs.
Identifiers: ClinVar variation 973264 (VCV000973264.5), dbSNP rs1687958384, ClinGen allele CA1139657596.

ClinVar aggregate classification (germline): Pathogenic (1 of 4 stars; one submission).

Conditions:
Chromosome 2q32-q33 deletion syndrome (GLASS). Also called: Glass syndrome; 2q33.1 deletion syndrome. Identifiers: Orphanet 251019, MedGen C2676739, MONDO:0012864, OMIM 612313.

Submission:

Institute for Genomic Medicine (IGM) Clinical Laboratory, Nationwide Children's Hospital
Classification: Pathogenic for Chromosome 2q32-q33 deletion syndrome. Last evaluated: 2018-10-29. Review status: criteria provided, single submitter. Criteria: ACMG Guidelines, 2015. Collection method: clinical testing. Allele origin: germline. Affected: yes.
Comment: [ACMG/AMP: PVS1, PS2, PM1, PM2] This alteration is a null variant in a gene where LOF is a known mechanism of disease [PVS1], is de novo in origin as it was not detected in the submitted parental specimens (identity confirmed) [PS2], is located in a mutational hotspot and/or critical and well-established functional domain [PM1], is absent from or rarely observed in large-scale population databases [PM2].